The following is an entry in ClinVar:

ClinVar aggregate classification (germline): Conflicting classifications of pathogenicity. Review status: criteria provided, conflicting classifications (1 of 4 stars). 6 submissions from 6 submitters: Uncertain significance (3); Likely benign (1). 2 of the submissions do not count toward it. Last evaluated 2026-08-21.

Conditions:
Cardiovascular phenotype. Identifiers: MedGen CN230736.
Alstrom syndrome (ALMS). Identifiers: Orphanet 64, MedGen C0268425, MONDO:0008763, OMIM 203800.

Allele frequency attached by ClinVar (database versions not stated): gnomAD exomes 0.00001 and 0.00005; gnomAD 0.00002; ExAC 0.00005.

Submissions (6):

Ambry Genetics
Classification: Likely benign for Cardiovascular phenotype. Last evaluated: 2026-08-21. Review status: criteria provided, single submitter. Criteria: Ambry Variant Classification Scheme 2023. Collection method: clinical testing. Allele origin: germline.

GeneDx
Classification: Uncertain significance. Last evaluated: 2022-12-29. Review status: criteria provided, single submitter. Criteria: GeneDx Variant Classification Process June 2021. Collection method: clinical testing. Allele origin: germline. Affected: yes.
Comment: In silico analysis supports that this missense variant does not alter protein structure/function; Has not been previously published as pathogenic or benign to our knowledge

Labcorp Genetics (formerly Invitae), Labcorp
Classification: Uncertain significance for Alstrom syndrome. Last evaluated: 2022-10-17. Review status: criteria provided, single submitter. Criteria: Invitae Variant Classification Sherloc (09022015). Collection method: clinical testing. Allele origin: germline.
Comment: This sequence change replaces threonine, which is neutral and polar, with alanine, which is neutral and non-polar, at codon 1376 of the ALMS1 protein (p.Thr1376Ala). The frequency data for this variant in the population databases is considered unreliable, as metrics indicate poor data quality at this position in the gnomAD database. This variant has not been reported in the literature in individuals affected with ALMS1-related conditions. ClinVar contains an entry for this variant (Variation ID: 550970). Experimental studies and prediction algorithms are not available or were not evaluated, and the functional significance of this variant is currently unknown. In summary, the available evidence is currently insufficient to determine the role of this variant in disease. Therefore, it has been classified as a Variant of Uncertain Significance.

Women's Health and Genetics/Laboratory Corporation of America, LabCorp
Classification: Uncertain significance. Last evaluated: 2021-10-17. Review status: criteria provided, single submitter. Criteria: LabCorp Variant Classification Summary - May 2015. Collection method: clinical testing. Allele origin: germline.

Natera, Inc.
Classification: Uncertain significance for Alstrom syndrome. Last evaluated: 2021-05-21. Review status: no assertion criteria provided. Collection method: clinical testing. Allele origin: germline. Not counted in ClinVar's aggregate classification.

Counsyl
Classification: Uncertain significance for Alstrom syndrome. Last evaluated: 2017-03-14. Review status: no assertion criteria provided. Collection method: clinical testing. Allele origin: unknown. Not counted in ClinVar's aggregate classification.

NM_001378454.1(ALMS1):c.4123A>G (p.Thr1375Ala)

Gene: ALMS1 (ALMS1 centrosome and basal body associated protein; plus strand). Cytogenetic location: 2p13.1.
Variant type: single nucleotide variant.
Coding change: c.4123A>G on transcript NM_001378454.1 (MANE Select); coding-DNA position 4123, A replaced by G.
Protein change: p.Thr1375Ala; replaces threonine 1375 with alanine.
Molecular consequence: missense variant.
Genome position (GRCh38, 1-based): chr2:73,450,650, A>G. VCF-style: chr2-73450650-A-G. GRCh37 (hg19) VCF-style: chr2-73677777-A-G.
Other names: c.4126A>G, p.Thr1376Ala (NM_015120.4); short protein forms T1376A, T1375A.
Identifiers: ClinVar variation 550970 (VCV000550970.15), dbSNP rs760866713, ClinGen allele CA1713638.